The following is an entry in ClinVar:

ClinVar aggregate classification (germline): Uncertain significance. Review status: criteria provided, multiple submitters, no conflicts (2 of 4 stars). 2 submissions from 2 submitters: Uncertain significance (2). Last evaluated 2025-07-25.

Conditions:
Hereditary cancer-predisposing syndrome. Also called: Tumor predisposition; Hereditary Cancer Syndrome; Hereditary neoplastic syndrome; Neoplastic Syndromes, Hereditary. Identifiers: Orphanet 140162, MedGen C0027672, MeSH D009386, MONDO:0015356.

Submissions (2):

Ambry Genetics
Classification: Uncertain significance for Hereditary cancer-predisposing syndrome. Last evaluated: 2025-07-25. Review status: criteria provided, single submitter. Criteria: Ambry Variant Classification Scheme 2023. Collection method: clinical testing. Allele origin: germline.
Comment: The p.Y937F variant (also known as c.2810A>T), located in coding exon 24 of the POLE gene, results from an A to T substitution at nucleotide position 2810. The tyrosine at codon 937 is replaced by phenylalanine, an amino acid with highly similar properties. This amino acid position is conserved. In addition, this alteration is predicted to be tolerated by in silico analysis. Based on the available evidence, the clinical significance of this variant remains unclear.

Labcorp Genetics (formerly Invitae), Labcorp
Classification: Uncertain significance. Last evaluated: 2022-09-28. Review status: criteria provided, single submitter. Criteria: Invitae Variant Classification Sherloc (09022015). Collection method: clinical testing. Allele origin: germline.
Comment: This sequence change replaces tyrosine, which is neutral and polar, with phenylalanine, which is neutral and non-polar, at codon 937 of the POLE protein (p.Tyr937Phe). In summary, the available evidence is currently insufficient to determine the role of this variant in disease. Therefore, it has been classified as a Variant of Uncertain Significance. Advanced modeling of protein sequence and biophysical properties (such as structural, functional, and spatial information, amino acid conservation, physicochemical variation, residue mobility, and thermodynamic stability) performed at Invitae indicates that this missense variant is expected to disrupt POLE protein function. This variant has not been reported in the literature in individuals affected with POLE-related conditions. This variant is not present in population databases (gnomAD no frequency).

NM_006231.4(POLE):c.2810A>T (p.Tyr937Phe)

Gene: POLE (DNA polymerase epsilon, catalytic subunit; minus strand). Cytogenetic location: 12q24.33.
Variant type: single nucleotide variant.
Coding change: c.2810A>T on transcript NM_006231.4 (MANE Select); coding-DNA position 2810, A replaced by T.
Protein change: p.Tyr937Phe; replaces tyrosine 937 with phenylalanine.
Molecular consequence: missense variant.
Genome position (GRCh38, 1-based): chr12:132,661,581, T>A on the plus strand (A>T on the coding strand, the complement: POLE is on the minus strand). VCF-style: chr12-132661581-T-A. GRCh37 (hg19) VCF-style: chr12-133238167-T-A.
Other names: c.2810A>T (NM_006231.2); short protein forms Y937F.
Identifiers: ClinVar variation 1969279 (VCV001969279.6), dbSNP rs1052708635, ClinGen allele CA387393713.